The following is an entry in ClinVar:

ClinVar aggregate classification (germline): Uncertain significance. Review status: criteria provided, multiple submitters, no conflicts (2 of 4 stars). 7 submissions from 7 submitters: Uncertain significance (7). Last evaluated 2025-10-26.

Conditions:
Cardiovascular phenotype. Identifiers: MedGen CN230736.
Hypercholesterolemia, autosomal dominant, 3 (FHCL3). Also called: Familial Hypercholesterolemia, Autosomal Dominant, 3; PCSK9-Related Familial Hypercholesterolemia, Autosomal Dominant; Familial hypercholesterolemia 3. Identifiers: MedGen C1863551, MONDO:0011369, OMIM 603776.
Familial hypercholesterolemia. Also called: Familial hypercholesterolemias; Familial hypercholesterolaemia. Identifiers: MedGen C0020445, MONDO:0005439.
Hypercholesterolemia, familial, 1. Also called: HYPERCHOLESTEROLEMIA, FAMILIAL, MODIFIER OF; LDL RECEPTOR DISORDER; Hyperlipoproteinemia Type IIa; HYPER-LOW-DENSITY-LIPOPROTEINEMIA; HYPERCHOLESTEROLEMIC XANTHOMATOSIS, FAMILIAL; Fredrickson type IIa hyperlipoproteinemia. Identifiers: Orphanet 391665, MedGen C0745103, MONDO:0007750, OMIM 143890.

Allele frequency attached by ClinVar (database versions not stated): TOPMed 0.00003; 1000 Genomes Project 30x 0.00016; 1000 Genomes Project 0.00020.
gnomAD v4.1: 28 of 1,614,030 alleles (0.0017%); highest among the groups gnomAD compares: Middle Eastern, 0.016%; no homozygotes.

Submissions (7):

Labcorp Genetics (formerly Invitae), Labcorp
Classification: Uncertain significance for Hypercholesterolemia, autosomal dominant, 3. Last evaluated: 2025-10-26. Review status: criteria provided, single submitter. Criteria: Invitae Variant Classification Sherloc (09022015). Collection method: clinical testing. Allele origin: germline.
Comment: This sequence change replaces arginine, which is basic and polar, with glutamine, which is neutral and polar, at codon 165 of the PCSK9 protein (p.Arg165Gln). This variant is present in population databases (rs372165281, gnomAD 0.02%). This missense change has been observed in individual(s) with hypercholesterolemia (internal data). ClinVar contains an entry for this variant (Variation ID: 548111). Invitae Evidence Modeling of protein sequence and biophysical properties (such as structural, functional, and spatial information, amino acid conservation, physicochemical variation, residue mobility, and thermodynamic stability) indicates that this missense variant is not expected to disrupt PCSK9 protein function with a negative predictive value of 80%. In summary, the available evidence is currently insufficient to determine the role of this variant in disease. Therefore, it has been classified as a Variant of Uncertain Significance.

Molecular Diagnostic Laboratory for Inherited Cardiovascular Disease, Montreal Heart Institute
Classification: Uncertain significance for Cardiovascular phenotype. Last evaluated: 2025-04-09. Review status: criteria provided, single submitter. Criteria: ACMG Guidelines, 2015. Collection method: clinical testing. Allele origin: germline. Affected: yes.

Ambry Genetics
Classification: Uncertain significance for Cardiovascular phenotype. Last evaluated: 2025-02-15. Review status: criteria provided, single submitter. Criteria: Ambry Variant Classification Scheme 2023. Collection method: clinical testing. Allele origin: germline.
Comment: The p.R165Q variant (also known as c.494G>A), located in coding exon 3 of the PCSK9 gene, results from a G to A substitution at nucleotide position 494. The arginine at codon 165 is replaced by glutamine, an amino acid with highly similar properties. This amino acid position is conserved. In addition, this alteration is predicted to be tolerated by in silico analysis. Since supporting evidence is limited at this time, the clinical significance of this alteration remains unclear.

All of Us Research Program, National Institutes of Health
Classification: Uncertain significance for Hypercholesterolemia, autosomal dominant, 3. Last evaluated: 2024-08-29. Review status: criteria provided, single submitter. Criteria: ACMG Guidelines, 2015. Collection method: clinical testing. Allele origin: germline. Inheritance: Autosomal dominant inheritance. Observed: 9 variant alleles, 9 heterozygotes.
Comment: This missense variant replaces arginine with glutamine at codon 165 of the PCSK9 protein. Computational prediction tools and conservation analyses suggest that this variant may not impact protein structure and function. Splice site prediction tools suggest that this variant may not impact RNA splicing. To our knowledge, functional studies have not been performed for this variant. This variant has not been reported in individuals affected with familial hypercholesterolemia in the literature. This variant has been identified in 9/282674 chromosomes in the general population by the Genome Aggregation Database (gnomAD). The available evidence is insufficient to determine the role of this variant in disease conclusively. Therefore, this variant is classified as a Variant of Uncertain Significance.

This study involves interpretation of variants in research participants for the purpose of population health screening. Participant phenotype was not available at the time of variant classification. Additional details can be found in publication PMID: 35346344, PMCID: PMC8962531

Color Diagnostics, LLC DBA Color Health
Classification: Uncertain significance for Familial hypercholesterolemia. Last evaluated: 2024-03-06. Review status: criteria provided, single submitter. Criteria: ACMG Guidelines, 2015. Collection method: clinical testing. Allele origin: germline.
Comment: This missense variant replaces arginine with glutamine at codon 165 of the PCSK9 protein. Computational prediction suggests that this variant may not impact protein structure and function (internally defined REVEL score threshold <= 0.5, PMID: 27666373). To our knowledge, functional studies have not been reported for this variant. This variant has not been reported in individuals affected with familial hypercholesterolemia in the literature. This variant has been identified in 9/282674 chromosomes in the general population by the Genome Aggregation Database (gnomAD). The available evidence is insufficient to determine the role of this variant in disease conclusively. Therefore, this variant is classified as a Variant of Uncertain Significance.

Fulgent Genetics
Classification: Uncertain significance for Hypercholesterolemia, autosomal dominant, 3. Last evaluated: 2021-08-03. Review status: criteria provided, single submitter. Criteria: ACMG Guidelines, 2015. Collection method: clinical testing. Allele origin: unknown.

Robarts Research Institute, Western University
Classification: Uncertain significance for Hypercholesterolemia, familial, 1. Last evaluated: 2018-01-02. Review status: criteria provided, single submitter. Criteria: ACMG Guidelines, 2015. Collection method: clinical testing. Allele origin: germline. Inheritance: Autosomal dominant inheritance. Affected: yes.

NM_174936.4(PCSK9):c.494G>A (p.Arg165Gln)

Gene: PCSK9 (proprotein convertase subtilisin/kexin type 9; plus strand). Cytogenetic location: 1p32.3.
Variant type: single nucleotide variant.
Coding change: c.494G>A on transcript NM_174936.4 (MANE Select); coding-DNA position 494, G replaced by A.
Protein change: p.Arg165Gln; replaces arginine 165 with glutamine.
Molecular consequence: missense variant.
Genome position (GRCh38, 1-based): chr1:55,046,617, G>A. VCF-style: chr1-55046617-G-A. GRCh37 (hg19) VCF-style: chr1-55512290-G-A.
Other names: short protein forms R165Q.
Identifiers: ClinVar variation 548111 (VCV000548111.20), dbSNP rs372165281, ClinGen allele CA042484.